The following is an entry in ClinVar:

NM_000271.5(NPC1):c.1071G>A (p.Ser357=)

Gene: NPC1 (NPC intracellular cholesterol transporter 1; minus strand). Cytogenetic location: 18q11.2.
Variant type: single nucleotide variant.
Coding change: c.1071G>A on transcript NM_000271.5 (MANE Select); coding-DNA position 1071, G replaced by A.
Protein change: p.Ser357=; no amino-acid change (serine 357 retained).
Molecular consequence: synonymous variant.
Genome position (GRCh38, 1-based): chr18:23,556,498, C>T on the plus strand (G>A on the coding strand, the complement: NPC1 is on the minus strand). VCF-style: chr18-23556498-C-T. GRCh37 (hg19) VCF-style: chr18-21136462-C-T.
Other names: p.Ser357=.
Identifiers: ClinVar variation 281049 (VCV000281049.24), dbSNP rs61731964, ClinGen allele CA8913543.
Genomic context (GRCh38, chr18:23,556,498, plus strand): 5'-TGGATTGGTTGTGACCCGGACAAACACCAGGCCTGACGAACACGCAGTAATGAAGACCAG[C>T]GAGAAGAAAATGACACAGCCAGGGTTTCGGACGCAGAAAGACCCCCAGCGTGTGAACAGC-3'
Protein context (NP_000262.2, residues 347-367): VRNPGCVIFF[Ser357=]LVFITACSSG

ClinVar aggregate classification (germline): Benign/Likely benign. Review status: criteria provided, multiple submitters, no conflicts (2 of 4 stars). 9 submissions from 9 submitters: Benign (3); Likely benign (3). 3 of the submissions do not count toward it. Last evaluated 2026-02-02.

Conditions:
Niemann-Pick disease, type C1. Also called: NEUROVISCERAL STORAGE DISEASE WITH VERTICAL SUPRANUCLEAR OPHTHALMOPLEGIA; NIEMANN-PICK DISEASE WITH CHOLESTEROL ESTERIFICATION BLOCK; NIEMANN-PICK DISEASE WITHOUT SPHINGOMYELINASE DEFICIENCY; NIEMANN-PICK DISEASE, CHRONIC NEURONOPATHIC FORM; NIEMANN-PICK DISEASE, VARIANT TYPE C1. Identifiers: Orphanet 646, MedGen C3179455, MONDO:0009757, OMIM 257220.

Allele frequency attached by ClinVar (database versions not stated): gnomAD exomes 0.00069; ExAC 0.00089; 1000 Genomes Project 30x 0.00219; 1000 Genomes Project 0.00240; gnomAD 0.00253 and 0.00282; TOPMed 0.00274; ESP Exome Variant Server 0.00408.
gnomAD v4.1: 733 of 1,614,120 alleles (0.045%); highest among the groups gnomAD compares: African/African-American, 0.85%; 3 homozygotes.

Submissions (9):

Labcorp Genetics (formerly Invitae), Labcorp
Classification: Benign for Niemann-Pick disease, type C1. Last evaluated: 2026-02-02. Review status: criteria provided, single submitter. Criteria: Invitae Variant Classification Sherloc (09022015). Collection method: clinical testing. Allele origin: germline.

Blueprint Genetics
Classification: Likely benign. Last evaluated: 2024-11-27. Review status: criteria provided, single submitter. Criteria: ACMG Guidelines, 2015. Collection method: clinical testing. Allele origin: germline.

Mayo Clinic Laboratories, Mayo Clinic
Classification: Benign. Last evaluated: 2024-07-01. Review status: criteria provided, single submitter. Criteria: ACMG Guidelines, 2015. Collection method: clinical testing. Allele origin: germline. Observed: 4 variant alleles.
Comment: BA1, BP4, BP7

GeneDx
Classification: Likely benign. Last evaluated: 2021-05-03. Review status: criteria provided, single submitter. Criteria: GeneDx Variant Classification Process June 2021. Collection method: clinical testing. Allele origin: germline. Affected: yes.

Eurofins Ntd Llc (ga)
Classification: Benign. Last evaluated: 2015-07-23. Review status: criteria provided, single submitter. Criteria: EGL Classification Definitions 2015. Collection method: clinical testing. Allele origin: germline. Observed: 3 variant alleles, 3 heterozygotes.

Breakthrough Genomics
Classification: Likely benign. Review status: criteria provided, single submitter. Criteria: ACMG Guidelines, 2015. Collection method: not provided. Allele origin: germline. Inheritance: Autosomal recessive inheritance. Affected: yes.

Clinical Genetics DNA and cytogenetics Diagnostics Lab, Erasmus MC, Erasmus Medical Center
Classification: Benign. Review status: no assertion criteria provided. Collection method: clinical testing. Allele origin: germline. Affected: yes. Study: VKGL Data-share Consensus. Not counted in ClinVar's aggregate classification.

Genome Diagnostics Laboratory, Amsterdam University Medical Center
Classification: Likely benign. Review status: no assertion criteria provided. Collection method: clinical testing. Allele origin: germline. Affected: yes. Study: VKGL Data-share Consensus. Not counted in ClinVar's aggregate classification.

Genome Diagnostics Laboratory, University Medical Center Utrecht
Classification: Likely benign. Review status: no assertion criteria provided. Collection method: clinical testing. Allele origin: germline. Affected: yes. Study: VKGL Data-share Consensus. Not counted in ClinVar's aggregate classification.